The following is an entry in ClinVar:

NM_000388.4(CASR):c.1853T>G (p.Leu618Arg)

Gene: CASR (calcium sensing receptor; plus strand). Cytogenetic location: 3q21.1.
Variant type: single nucleotide variant.
Coding change: c.1853T>G on transcript NM_000388.4 (MANE Select); coding-DNA position 1853, T replaced by G.
Protein change: p.Leu618Arg; replaces leucine 618 with arginine.
Molecular consequence: missense variant.
Genome position (GRCh38, 1-based): chr3:122,283,807, T>G. VCF-style: chr3-122283807-T-G. GRCh37 (hg19) VCF-style: chr3-122002654-T-G.
Other names: c.1883T>G, p.Leu628Arg (NM_001178065.2); short protein forms L618R, L628R.
Identifiers: ClinVar variation 1217276 (VCV001217276.6), dbSNP rs2107649522, ClinGen allele CA354157645.
Genomic context (GRCh38, chr3:122,283,807, plus strand): 5'-GCATTGCCAAGGAGATCGAGTTTCTGTCGTGGACGGAGCCCTTTGGGATCGCACTCACCC[T>G]CTTTGCCGTGCTGGGCATTTTCCTGACAGCCTTTGTGCTGGGTGTGTTTATCAAGTTCCG-3'
Protein context (NP_000379.3, residues 608-628): WTEPFGIALT[Leu618Arg]FAVLGIFLTA

ClinVar aggregate classification (germline): Uncertain significance. Review status: criteria provided, multiple submitters, no conflicts (2 of 4 stars). 2 submissions from 2 submitters: Uncertain significance (2). Last evaluated 2024-03-19.

Conditions:
Familial hypocalciuric hypercalcemia 1. Also called: Hypercalcemia, familial benign type 1. Identifiers: Orphanet 405, Orphanet 93372, MedGen C0342637, MONDO:0007791, OMIM 145980.
Neonatal severe primary hyperparathyroidism. Identifiers: Orphanet 417, MedGen C1832615, MONDO:0009397, OMIM 239200.
Autosomal dominant hypocalcemia 1 (HYPOC1). Also called: HYPOCALCEMIA, FAMILIAL. Identifiers: MedGen C3715128, MONDO:0011013, OMIM 601198.
Epilepsy, idiopathic generalized, susceptibility to, 8. Identifiers: MedGen C2752062, MONDO:0013032, OMIM 612899.

Submissions (2):

Women's Health and Genetics/Laboratory Corporation of America, LabCorp
Classification: Uncertain significance. Last evaluated: 2024-03-19. Review status: criteria provided, single submitter. Criteria: LabCorp Variant Classification Summary - May 2015. Collection method: clinical testing. Allele origin: germline.
Comment: Variant summary: CASR c.1853T>G (p.Leu618Arg) results in a non-conservative amino acid change located in the GPCR family 3, C-terminal domain (IPR017978) of the encoded protein sequence. Five of five in-silico tools predict a damaging effect of the variant on protein function. The variant was absent in 251480 control chromosomes. The available data on variant occurrences in the general population are insufficient to allow any conclusion about variant significance. To our knowledge, no occurrence of c.1853T>G in individuals affected with Familial Hypocalciuric Hypercalcemia and no experimental evidence demonstrating its impact on protein function have been reported. ClinVar contains an entry for this variant (Variation ID: 1217276). Based on the evidence outlined above, the variant was classified as uncertain significance.

Fulgent Genetics
Classification: Uncertain significance for Familial hypocalciuric hypercalcemia 1; Neonatal severe primary hyperparathyroidism; Autosomal dominant hypocalcemia 1; Epilepsy, idiopathic generalized, susceptibility to, 8. Last evaluated: 2022-01-07. Review status: criteria provided, single submitter. Criteria: ACMG Guidelines, 2015. Collection method: clinical testing. Allele origin: unknown.